The following is an entry in ClinVar:

Conditions:
Long QT syndrome 5 (LQT5). Identifiers: Orphanet 101016, Orphanet 768, MedGen C1867904, MONDO:0013372, OMIM 613695.

Submission:

Roden Lab, Vanderbilt University Medical Center
No classification provided (evidence only). Condition: Long QT syndrome 5. Review status: no classification provided. Collection method: in vitro. Allele origin: not applicable. Functional consequence: Effect on ion channel function.
ClinVar note: "not provided" was previously submitted as the classification for the variant. However, the classification appeared to be based only on an observation of functional data so it was converted to no classification on 2025-07-30.

NM_000219.6(KCNE1):c.3G>C (p.Met1Ile)

Gene: KCNE1 (potassium voltage-gated channel subfamily E regulatory subunit 1; minus strand). Cytogenetic location: 21q22.12.
Variant type: single nucleotide variant.
Coding change: c.3G>C on transcript NM_000219.6 (MANE Select); coding-DNA position 3, G replaced by C.
Protein change: p.Met1Ile; changes the start codon (methionine 1).
Molecular consequence: missense variant, initiator codon variant.
Genome position (GRCh38, 1-based): chr21:34,449,632, C>G on the plus strand (G>C on the coding strand, the complement: KCNE1 is on the minus strand). VCF-style: chr21-34449632-C-G. GRCh37 (hg19) VCF-style: chr21-35821930-C-G.
Other names: c.3G>C, p.Met1Ile (NM_001127668.4, NM_001127669.4, NM_001127670.4 and 4 more transcripts); short protein forms M1I.
Identifiers: ClinVar variation 3374501 (VCV003374501.2).